The following is an entry in ClinVar:

NM_001127453.2(GSDME):c.325G>A (p.Val109Ile)

Gene: GSDME (gasdermin E; minus strand). Cytogenetic location: 7p15.3.
Variant type: single nucleotide variant.
Coding change: c.325G>A on transcript NM_001127453.2 (MANE Select); coding-DNA position 325, G replaced by A.
Protein change: p.Val109Ile; replaces valine 109 with isoleucine.
Molecular consequence: missense variant. On other transcripts: 5 prime UTR variant (1).
Genome position (GRCh38, 1-based): chr7:24,744,641, C>T on the plus strand (G>A on the coding strand, the complement: GSDME is on the minus strand). VCF-style: chr7-24744641-C-T. GRCh37 (hg19) VCF-style: chr7-24784260-C-T.
Other names: c.-168G>A (NM_001127454.2); c.325G>A, p.Val109Ile (NM_004403.3); short protein forms V109I.
Identifiers: ClinVar variation 359857 (VCV000359857.20), dbSNP rs202227661, ClinGen allele CA4191769.

ClinVar aggregate classification (germline): Conflicting classifications of pathogenicity. Review status: criteria provided, conflicting classifications (1 of 4 stars). 6 submissions from 6 submitters: Uncertain significance (4); Likely benign (2). Last evaluated 2026-03-20.

Conditions:
GSDME-related disorder. Also called: GSDME-related condition.
Inborn genetic diseases. Identifiers: MedGen C0950123, MeSH D030342.
Autosomal dominant nonsyndromic hearing loss 5. Identifiers: Orphanet 90635, MedGen C1832932, MONDO:0010973, OMIM 600994.

Allele frequency attached by ClinVar (database versions not stated): TOPMed 0.00014; gnomAD 0.00015; 1000 Genomes Project 30x 0.00016; 1000 Genomes Project 0.00020.
gnomAD v4.1: 143 of 1,614,190 alleles (0.0089%); highest among the groups gnomAD compares: Admixed American, 0.028%; no homozygotes.

Submissions (6):

GeneDx
Classification: Uncertain significance. Last evaluated: 2026-03-20. Review status: criteria provided, single submitter. Criteria: GeneDx Variant Classification Process June 2021. Collection method: clinical testing. Allele origin: germline.
Comment: In silico analysis suggests that this missense variant does not alter protein structure/function; Has not been previously published as pathogenic or benign to our knowledge

PreventionGenetics, part of Exact Sciences
Classification: Likely benign for GSDME-related condition. Last evaluated: 2024-12-16. Review status: criteria provided, single submitter. Criteria: ACMG Guidelines, 2015. Collection method: clinical testing. Allele origin: germline.
Comment: This variant is classified as likely benign based on ACMG/AMP sequence variant interpretation guidelines (Richards et al. 2015 PMID: 25741868, with internal and published modifications).

Ambry Genetics
Classification: Uncertain significance for Inborn genetic diseases. Last evaluated: 2024-08-14. Review status: criteria provided, single submitter. Criteria: Ambry Variant Classification Scheme 2023. Collection method: clinical testing. Allele origin: germline.

Labcorp Genetics (formerly Invitae), Labcorp
Classification: Likely benign. Last evaluated: 2023-12-28. Review status: criteria provided, single submitter. Criteria: Invitae Variant Classification Sherloc (09022015). Collection method: clinical testing. Allele origin: germline.

ARUP Laboratories, Molecular Genetics and Genomics, ARUP Laboratories
Classification: Uncertain significance for Autosomal dominant nonsyndromic hearing loss 5. Last evaluated: 2019-09-11. Review status: criteria provided, single submitter. Criteria: ARUP Molecular Germline Variant Investigation Process. Collection method: clinical testing. Allele origin: germline.
Comment: The DFNA5 c.325G>A; p.Val109Ile variant (rs202227661), to our knowledge, is not reported in the medical literature but is reported as uncertain in ClinVar (Variation ID: 359857). This variant is listed in the Genome Aggregation Database (gnomAD) with an overall population frequency of 0.01 percent (identified on 41 out of 282,778 chromosomes). The valine at position 109 is highly conserved and computational analyses of the effects of the p.Val109Ile variant on protein structure and function is conflicting (SIFT: tolerated, PolyPhen-2: probably damaging). Altogether, there is not enough evidence to classify the p.Val109Ile variant with certainty.

Illumina Laboratory Services, Illumina
Classification: Uncertain significance for Autosomal dominant nonsyndromic hearing loss 5. Last evaluated: 2018-01-12. Review status: criteria provided, single submitter. Criteria: ICSL Variant Classification Criteria 13 December 2019. Collection method: clinical testing. Allele origin: germline.